The following is an entry in ClinVar:

ClinVar aggregate classification (germline): Likely benign. Review status: criteria provided, multiple submitters, no conflicts (2 of 4 stars). 6 submissions from 6 submitters: Likely benign (6). Last evaluated 2026-01-04.

Conditions:
Hereditary cancer-predisposing syndrome. Also called: Tumor predisposition; Neoplastic Syndromes, Hereditary; Hereditary neoplastic syndrome; Hereditary Cancer Syndrome. Identifiers: Orphanet 140162, MedGen C0027672, MeSH D009386, MONDO:0015356.
Ataxia-telangiectasia syndrome (AT). Also called: LOUIS-BAR SYNDROME; ATAXIA-TELANGIECTASIA, COMPLEMENTATION GROUP A; ATAXIA-TELANGIECTASIA, FRESNO VARIANT; Ataxia-telangiectasia; Ataxia-telangiectasia, complementation group D; AT, COMPLEMENTATION GROUP C. Identifiers: Orphanet 100, MedGen C0004135, MONDO:0008840, OMIM 208900.
Familial cancer of breast. Also called: BREAST CANCER, FAMILIAL; Hereditary breast cancer; hereditary breast carcinoma. Identifiers: Orphanet 227535, MedGen C0346153, MONDO:0016419, OMIM 114480. Disease mechanism: loss of function.

Allele frequency attached by ClinVar (database versions not stated): ExAC 0.00003; TOPMed 0.00003; gnomAD 0.00004; gnomAD exomes 0.00006.
gnomAD v4.1: 29 of 1,604,232 alleles (0.0018%); highest among the groups gnomAD compares: East Asian, 0.06%; no homozygotes.

Submissions (6):

Labcorp Genetics (formerly Invitae), Labcorp
Classification: Likely benign for Ataxia-telangiectasia syndrome. Last evaluated: 2026-01-04. Review status: criteria provided, single submitter. Criteria: Invitae Variant Classification Sherloc (09022015). Collection method: clinical testing. Allele origin: germline.

Blueprint Genetics
Classification: Likely benign. Last evaluated: 2024-09-17. Review status: criteria provided, single submitter. Criteria: ACMG Guidelines, 2015. Collection method: clinical testing. Allele origin: germline.

Department of Pathology and Laboratory Medicine, Sinai Health System
Classification: Likely benign for Familial cancer of breast; Ataxia-telangiectasia syndrome. Last evaluated: 2024-04-25. Review status: criteria provided, single submitter. Criteria: ACMG Guidelines, 2015. Collection method: clinical testing. Allele origin: germline. Affected: no.

ARUP Laboratories, Molecular Genetics and Genomics, ARUP Laboratories
Classification: Likely benign for Ataxia-telangiectasia syndrome. Last evaluated: 2018-10-23. Review status: criteria provided, single submitter. Criteria: ARUP Molecular Germline Variant Investigation Process. Collection method: clinical testing. Allele origin: germline.

GeneDx
Classification: Likely benign. Last evaluated: 2016-09-06. Review status: criteria provided, single submitter. Criteria: GeneDx Variant Classification (06012015). Collection method: clinical testing. Allele origin: germline. Affected: yes.
Comment: This variant is considered likely benign or benign based on one or more of the following criteria: it is a conservative change, it occurs at a poorly conserved position in the protein, it is predicted to be benign by multiple in silico algorithms, and/or has population frequency not consistent with disease.

Color Diagnostics, LLC DBA Color Health
Classification: Likely benign for Hereditary cancer-predisposing syndrome. Last evaluated: 2015-05-18. Review status: criteria provided, single submitter. Criteria: ACMG Guidelines, 2015. Collection method: clinical testing. Allele origin: germline.

NM_000051.4(ATM):c.5496+11T>C

Gene: ATM (ATM serine/threonine kinase; plus strand). Cytogenetic location: 11q22.3.
Variant type: single nucleotide variant.
Coding change: c.5496+11T>C on transcript NM_000051.4 (MANE Select); 11 bases into the intron after coding-DNA position 5496, T replaced by C.
Molecular consequence: intron variant.
Genome position (GRCh38, 1-based): chr11:108,303,040, T>C. VCF-style: chr11-108303040-T-C. GRCh37 (hg19) VCF-style: chr11-108173767-T-C.
Other names: c.5496+11T>C (NM_001351834.2).
Identifiers: ClinVar variation 389165 (VCV000389165.20), dbSNP rs751491395, ClinGen allele CA6265709.
Genomic context (GRCh38, chr11:108,303,040, plus strand): 5'-GTGGAGGCACAAAATGTGAAATTCTTCAATTATTAAAGCCAATGTGTGAAGTAAGAAGAT[T>C]AATTAGTCTGATATAATTCCTTGTTTATGACCTGTTTATCTAAAGAGTGCTGTGATACTG-3'